The following is an entry in ClinVar:

NM_000186.4(CFH):c.509T>A (p.Phe170Tyr)

Gene: CFH (complement factor H; plus strand). Cytogenetic location: 1q31.3.
Variant type: single nucleotide variant.
Coding change: c.509T>A on transcript NM_000186.4 (MANE Select); coding-DNA position 509, T replaced by A.
Protein change: p.Phe170Tyr; replaces phenylalanine 170 with tyrosine.
Molecular consequence: missense variant.
Genome position (GRCh38, 1-based): chr1:196,677,557, T>A. VCF-style: chr1-196677557-T-A. GRCh37 (hg19) VCF-style: chr1-196646687-T-A.
Other names: c.509T>A, p.Phe170Tyr (NM_001014975.3); short protein forms F170Y.
Identifiers: ClinVar variation 3676088 (VCV003676088.2).

ClinVar aggregate classification (germline): Uncertain significance (1 of 4 stars; one submission).

Submission:

Labcorp Genetics (formerly Invitae), Labcorp
Classification: Uncertain significance. Last evaluated: 2025-02-27. Review status: criteria provided, single submitter. Criteria: Invitae Variant Classification Sherloc (09022015). Collection method: clinical testing. Allele origin: germline.
Comment: This sequence change replaces phenylalanine, which is neutral and non-polar, with tyrosine, which is neutral and polar, at codon 170 of the CFH protein (p.Phe170Tyr). This variant is present in population databases (no rsID available, gnomAD 0.006%). This variant has not been reported in the literature in individuals affected with CFH-related conditions. An algorithm developed to predict the effect of missense changes on protein structure and function outputs the following: PolyPhen-2: "Benign". The tyrosine amino acid residue is found in multiple mammalian species, which suggests that this missense change does not adversely affect protein function. In summary, the available evidence is currently insufficient to determine the role of this variant in disease. Therefore, it has been classified as a Variant of Uncertain Significance.